The following is an entry in ClinVar:

Conditions:
Breast-ovarian cancer, familial, susceptibility to, 1 (BROVCA1). Also called: BRCA1 Hereditary Breast and Ovarian Cancer; OVARIAN CANCER, SUSCEPTIBILITY TO. Identifiers: Orphanet 145, MedGen C2676676, MONDO:0011450, OMIM 604370. Disease mechanism: loss of function.

gnomAD v4.1: 1 of 1,613,952 alleles (0.000062%); highest among the groups gnomAD compares: Non-Finnish European, 0.000085%; no homozygotes.

Submission:

Brotman Baty Institute, University of Washington
No classification provided (evidence only). Condition: Breast-ovarian cancer, familial 1. Review status: no classification provided. Collection method: in vitro. Allele origin: not applicable. Functional consequence: functionally_normal.
ClinVar note: "not provided" was previously submitted as the classification for the variant. However, the classification appeared to be based only on an observation of functional data so it was converted to no classification on 2025-07-30.

NM_007294.4(BRCA1):c.5547G>T (p.Glu1849Asp)

Gene: BRCA1 (BRCA1 DNA repair associated; minus strand). Cytogenetic location: 17q21.31.
Variant type: single nucleotide variant.
Coding change: c.5547G>T on transcript NM_007294.4 (MANE Select); coding-DNA position 5547, G replaced by T.
Protein change: p.Glu1849Asp; replaces glutamic acid 1849 with aspartic acid.
Molecular consequence: missense variant. On other transcripts: 3 prime UTR variant (1), non-coding transcript variant (1).
Genome position (GRCh38, 1-based): chr17:43,045,723, C>A on the plus strand (G>T on the coding strand, the complement: BRCA1 is on the minus strand). VCF-style: chr17-43045723-C-A. GRCh37 (hg19) VCF-style: chr17-41197740-C-A.
Other names: c.5334G>T, p.Glu1778Asp (NM_001407571.1, NM_001407894.1, NM_001407895.1 and 12 more transcripts); c.5613G>T, p.Glu1871Asp (NM_001407581.1, NM_001407582.1); c.5610G>T, p.Glu1870Asp (NM_001407583.1, NM_001407585.1, NM_001407587.1 and 1 more transcripts); c.5607G>T, p.Glu1869Asp (NM_001407590.1, NM_001407591.1); c.5547G>T, p.Glu1849Asp (NM_001407593.1, NM_001407594.1, NM_001407596.1 and 5 more transcripts); c.5544G>T, p.Glu1848Asp (NM_001407618.1, NM_001407619.1, NM_001407620.1 and 14 more transcripts); c.5541G>T, p.Glu1847Asp (NM_001407637.1, NM_001407638.1, NM_001407639.1 and 13 more transcripts); c.5538G>T, p.Glu1846Asp (NM_001407644.1, NM_001407645.1); and 74 more; short protein forms E1802D, E1870D, E745D, E1849D, E1695D, E1722D, E1737D, E1759D.
Identifiers: ClinVar variation 865003 (VCV000865003.3), dbSNP rs1426388214, ClinGen allele CA10590226.
Genomic context (GRCh38, chr17:43,045,723, plus strand): 5'-TGTGGCTGGCTGCAGTCAGTAGTGGCTGTGGGGGATCTGGGGTATCAGGTAGGTGTCCAG[C>A]TCCTGGCACTGGTAGAGTGCTACACTGTCCAACACCCACTCTCGGGTCACCACAGGTGCC-3'
Protein context (NP_009225.1, residues 1839-1859): LDSVALYQCQ[Glu1849Asp]LDTYLIPQIP